The following is an entry in ClinVar:

ClinVar aggregate classification (germline): Uncertain significance (1 of 4 stars; one submission).

Conditions:
Congenital myopathy. Identifiers: Orphanet 97245, MedGen C0270960, MONDO:0019952.

gnomAD v4.1: 81 of 1,516,848 alleles (0.0053%); highest among the groups gnomAD compares: African/African-American, 0.0087%; no homozygotes.

Submission:

Broad Center for Mendelian Genomics, Broad Institute of MIT and Harvard
Classification: Uncertain significance for Congenital myopathy. Last evaluated: 2025-02-12. Review status: criteria provided, single submitter. Criteria: ACMG Guidelines, 2015. Collection method: curation. Allele origin: germline. Inheritance: Autosomal recessive inheritance. Study: GREGoR Consortium.
Comment: The homozygous c.67+128G>A (c.68-12G>A) variant in TNNT3 was identified by our study in 2 siblings with congenital myopathy. This variant has not been previously reported in the literature in individuals with congenital myopathy, but has been identified in 0.015% (8/52628) of Finnish chromosomes by the Genome Aggregation Database (gnomAD; dbSNP rs372287382). Although this variant has been seen in the general population in a heterozygous state, its frequency is not high enough to rule out a pathogenic role. This variant is located in the 5' splice region. Computational tools suggest an impact to splicing. However, this information is not predictive enough to determine/rule out pathogenicity. RNAseq analysis performed on affected tissue in both siblings shows evidence of an insertion of 10 nucleotides in intron 5 thus elongating exon 6. This alteration is predicted to cause a frameshift, leading to a truncated or absent protein in some transcripts. While there is some evidence to suggest that loss of function of the TNNT3 gene is a disease mechanism in autosomal recessive congenital myopathy, this association is not yet strongly established based on the criteria laid out in Tayoun, 2018 (PMID: 30192042). Furthermore, although this gene has been reported in association with congenital myopathy, it currently has limited/moderate evidence for these associations. In summary, the clinical significance of the c.67+128G>A variant is uncertain.

NM_006757.4(TNNT3):c.67+128G>A

Gene: TNNT3 (troponin T3, fast skeletal type; plus strand). Cytogenetic location: 11p15.5.
Variant type: single nucleotide variant.
Coding change: c.67+128G>A on transcript NM_006757.4 (MANE Select); 128 bases into the intron after coding-DNA position 67, G replaced by A.
Molecular consequence: intron variant.
Genome position (GRCh38, 1-based): chr11:1,925,244, G>A. VCF-style: chr11-1925244-G-A. GRCh37 (hg19) VCF-style: chr11-1946474-G-A.
Other names: NM_001363561.2:c.68-12G>A; c.67+128G>A (NM_001297646.2, NM_001042780.3, NM_001042782.3 and 1 more transcripts); c.68-12G>A (NM_001367846.1, NM_001363561.2, NM_001042781.3 and 4 more transcripts); c.50-12G>A (NM_001367845.1, NM_001367849.1); c.49+1672G>A (NM_001367850.1); c.-99+2353G>A (NM_001367851.1); c.-99+128G>A (NM_001367852.1).
Identifiers: ClinVar variation 3383305 (VCV003383305.2).